The following is an entry in ClinVar:

ClinVar aggregate classification (germline): Conflicting classifications of pathogenicity. Review status: criteria provided, conflicting classifications (1 of 4 stars). 13 submissions from 9 submitters: Uncertain significance (7); Benign (2); Likely benign (4). Last evaluated 2025-05-02.

Conditions:
Early-onset myopathy with fatal cardiomyopathy (CMYO5). Also called: CONGENITAL MYOPATHY 5 WITH CARDIOMYOPATHY; Salih Myopathy. Identifiers: Orphanet 289377, MedGen C2673677, MONDO:0012714, OMIM 611705. Disease mechanism: loss of function.
Cardiovascular phenotype. Identifiers: MedGen CN230736.
Autosomal recessive limb-girdle muscular dystrophy type 2J (LGMDR10). Also called: Limb-girdle muscular dystrophy, type 2J; MUSCULAR DYSTROPHY, LIMB-GIRDLE, AUTOSOMAL RECESSIVE 10. Identifiers: Orphanet 140922, MedGen C1837342, MONDO:0012127, OMIM 608807.
Dilated cardiomyopathy 1G (CMD1G). Identifiers: Orphanet 154, MedGen C1858763, MONDO:0011400, OMIM 604145.
Myopathy, myofibrillar, 9, with early respiratory failure (MFM9). Also called: Myopathy, distal, with early respiratory failure, autosomal dominant; Hereditary myopathy with early respiratory failure; MYOPATHY, PROXIMAL, WITH EARLY RESPIRATORY MUSCLE INVOLVEMENT; EDSTROM MYOPATHY. Identifiers: Orphanet 178464, Orphanet 34521, MedGen C1863599, MONDO:0011362, OMIM 603689.
Tibial muscular dystrophy (TMD). Also called: Tibial muscular dystrophy, tardive; Udd Distal Myopathy – Tibial Muscular Dystrophy; UDD MYOPATHY. Identifiers: Orphanet 609, MedGen C1838244, MONDO:0010870, OMIM 600334.
TTN-related disorder. Also called: TTN-related condition; TTN-related disease; TTN-related disorders.

Allele frequency attached by ClinVar (database versions not stated): gnomAD exomes 0.00012; ExAC 0.00014; TOPMed 0.00017; gnomAD 0.00022 and 0.00023; ESP Exome Variant Server 0.00066.
gnomAD v4.1: 396 of 1,554,906 alleles (0.025%); highest among the groups gnomAD compares: Non-Finnish European, 0.031%; no homozygotes.

Submissions (14):

PreventionGenetics, part of Exact Sciences
Classification: Likely benign for TTN-related condition. Last evaluated: 2025-05-02. Review status: criteria provided, single submitter. Criteria: ACMG Guidelines, 2015. Collection method: clinical testing. Allele origin: germline.
Comment: This variant is classified as likely benign based on ACMG/AMP sequence variant interpretation guidelines (Richards et al. 2015 PMID: 25741868, with internal and published modifications).

Blueprint Genetics
Classification: Likely benign. Last evaluated: 2024-07-12. Review status: criteria provided, single submitter. Criteria: ACMG Guidelines, 2015. Collection method: clinical testing. Allele origin: germline.

CeGaT Center for Human Genetics Tuebingen
Classification: Uncertain significance. Last evaluated: 2024-02-01. Review status: criteria provided, single submitter. Criteria: CeGaT Center For Human Genetics Tuebingen Variant Classification Criteria Version 2. Collection method: clinical testing. Allele origin: germline. Affected: yes. Observed: 1 variant allele.

Women's Health and Genetics/Laboratory Corporation of America, LabCorp
Classification: Uncertain significance. Last evaluated: 2023-06-26. Review status: criteria provided, single submitter. Criteria: LabCorp Variant Classification Summary - May 2015. Collection method: clinical testing. Allele origin: germline.
Comment: Variant summary: TTN c.88018T>C (p.Tyr29340His) results in a conservative amino acid change located in the A-band region of the encoded protein sequence. Three of five in-silico tools predict a damaging effect of the variant on protein function. In addition, this variant disrupts the last nucleotide of exon 293, and therefore can affect splicing. 4/4 computational tools predict no significant impact on normal splicing, however, these predictions have yet to be confirmed by functional studies. The variant allele was found at a frequency of 0.00012 in 211102 control chromosomes, predominantly at a frequency of 0.00023 within the Non-Finnish European subpopulation in the gnomAD database (v2.1, Exomes dataset). This frequency is not significantly higher than estimated for a pathogenic variant in TTN causing Dilated Cardiomyopathy (0.00023 vs 0.00039), allowing no conclusion about variant significance. c.88018T>C has been reported in the literature in individuals affected with Hypertrophic Cardiomyopathy (e.g., Lopes_2013, Thomson_2019), Dilated Cardiomyopathy (e.g., Minoche_2019) and Sudden Death (e.g., Campuzano_2015), however without strong evidence for causality (e.g., lack of co-segregation data). These reports therefore do not provide unequivocal conclusions about association of the variant with Dilated Cardiomyopathy. A co-occurrence with another pathogenic variant has been reported (TNNT2 NM_001001430 c.236T>A, p.Ile79Asn; Lopes_2013), providing supporting evidence for a benign role. To our knowledge, no experimental evidence demonstrating an impact on protein function has been reported. The following publications have been ascertained in the context of this evaluation (PMID: 26516846, 23396983, 29961767, 30531895). Five ClinVar submitters have assessed the variant since 2014: three classified the variant as of uncertain significance, and two as likely benign. Based on the evidence outlined above, the variant was classified as uncertain significance.

Revvity Omics, Revvity
Classification: Uncertain significance. Last evaluated: 2022-04-08. Review status: criteria provided, single submitter. Criteria: ACMG Guidelines, 2015. Collection method: clinical testing. Allele origin: germline.

Ambry Genetics
Classification: Likely benign for Cardiovascular phenotype. Last evaluated: 2020-07-14. Review status: criteria provided, single submitter. Criteria: Ambry Variant Classification Scheme 2023. Collection method: clinical testing. Allele origin: germline.

GeneDx
Classification: Likely benign. Last evaluated: 2018-05-29. Review status: criteria provided, single submitter. Criteria: GeneDx Variant Classification Process June 2021. Collection method: clinical testing. Allele origin: germline. Affected: yes.
Comment: This variant is associated with the following publications: (PMID: 23396983, 29961767)

Illumina Laboratory Services, Illumina
Classification: Uncertain significance for Autosomal recessive limb-girdle muscular dystrophy type 2J. Last evaluated: 2018-01-13. Review status: criteria provided, single submitter. Criteria: ICSL Variant Classification Criteria 13 December 2019. Collection method: clinical testing. Allele origin: germline.

Illumina Laboratory Services, Illumina
Classification: Uncertain significance for Early-onset myopathy with fatal cardiomyopathy. Last evaluated: 2018-01-13. Review status: criteria provided, single submitter. Criteria: ICSL Variant Classification Criteria 13 December 2019. Collection method: clinical testing. Allele origin: germline.

Illumina Laboratory Services, Illumina
Classification: Benign for Tibial muscular dystrophy. Last evaluated: 2018-01-13. Review status: criteria provided, single submitter. Criteria: ICSL Variant Classification Criteria 13 December 2019. Collection method: clinical testing. Allele origin: germline.
Comment: This variant was observed in the ICSL laboratory as part of a predisposition screen in an ostensibly healthy population. It had not been previously curated by ICSL or reported in the Human Gene Mutation Database (HGMD: prior to June 1st, 2018), and was therefore a candidate for classification through an automated scoring system. Utilizing variant allele frequency, disease prevalence and penetrance estimates, and inheritance mode, an automated score was calculated to assess if this variant is too frequent to cause the disease. Based on the score and internal cut-off values, a variant classified as benign is not then subjected to further curation. The score for this variant resulted in a classification of benign for this disease.

Illumina Laboratory Services, Illumina
Classification: Benign for Myopathy, myofibrillar, 9, with early respiratory failure. Last evaluated: 2018-01-13. Review status: criteria provided, single submitter. Criteria: ICSL Variant Classification Criteria 13 December 2019. Collection method: clinical testing. Allele origin: germline.
Comment: the same text as in the submission from Illumina Laboratory Services, Illumina above.

Illumina Laboratory Services, Illumina
Classification: Uncertain significance for Dilated cardiomyopathy 1G. Last evaluated: 2018-01-13. Review status: criteria provided, single submitter. Criteria: ICSL Variant Classification Criteria 13 December 2019. Collection method: clinical testing. Allele origin: germline.

Labcorp Genetics (formerly Invitae), Labcorp
Classification: Uncertain significance for Dilated cardiomyopathy 1G; Autosomal recessive limb-girdle muscular dystrophy type 2J. Last evaluated: 2017-11-23. Review status: criteria provided, single submitter. Criteria: Invitae Variant Classification Sherloc (09022015). Collection method: clinical testing. Allele origin: germline.

Dr. Peter K. Rogan Lab, Western University
No classification provided (evidence only). Condition: Clear cell carcinoma of kidney. Review status: no classification provided. Collection method: in vitro. Allele origin: not applicable. Functional consequence: retained intron. Not counted in ClinVar's aggregate classification.

Literature cited by the submitters: PubMed 23396983 (cited by Women's Health and Genetics/Laboratory Corporation of America, LabCorp and Ambry Genetics); PubMed 26516846 (cited by Women's Health and Genetics/Laboratory Corporation of America, LabCorp); PubMed 29961767 (cited by Women's Health and Genetics/Laboratory Corporation of America, LabCorp); PubMed 30531895 (cited by Women's Health and Genetics/Laboratory Corporation of America, LabCorp).

NM_001267550.2(TTN):c.95722T>C (p.Tyr31908His)

Genes: TTN (titin; minus strand), TTN-AS1 (TTN antisense RNA 1; plus strand). Cytogenetic location: 2q31.2.
Variant type: single nucleotide variant.
Coding change: c.95722T>C on transcript NM_001267550.2 (MANE Select); coding-DNA position 95722, T replaced by C.
Protein change: p.Tyr31908His; replaces tyrosine 31908 with histidine.
Molecular consequence: missense variant.
Genome position (GRCh38, 1-based): chr2:178,545,388, A>G on the plus strand (T>C on the coding strand, the complement: TTN is on the minus strand). VCF-style: chr2-178545388-A-G. GRCh37 (hg19) VCF-style: chr2-179410115-A-G.
Other names: NC_000002.11:g.179410115A>G; c.90799T>C, p.Tyr30267His (NM_001256850.1); c.68527T>C, p.Tyr22843His (NM_003319.4); c.88018T>C, p.Tyr29340His (NM_133378.4); c.68902T>C, p.Tyr22968His (NM_133432.3); c.69103T>C, p.Tyr23035His (NM_133437.4); short protein forms Y31908H, Y30267H, Y22843H, Y23035H, Y29340H, Y22968H.
Identifiers: ClinVar variation 405049 (VCV000405049.40), dbSNP rs199781261, ClinGen allele CA1986896.